The following is an entry in ClinVar:

ClinVar aggregate classification (germline): Uncertain significance (1 of 4 stars; one submission).

Allele frequency attached by ClinVar (database versions not stated): gnomAD exomes below 0.00001.
gnomAD v4.1: 2 of 1,613,890 alleles (0.00012%); highest among the groups gnomAD compares: South Asian, 0.0011%; no homozygotes.

Submission:

Labcorp Genetics (formerly Invitae), Labcorp
Classification: Uncertain significance. Last evaluated: 2022-04-12. Review status: criteria provided, single submitter. Criteria: Invitae Variant Classification Sherloc (09022015). Collection method: clinical testing. Allele origin: germline.
Comment: This sequence change replaces isoleucine, which is neutral and non-polar, with threonine, which is neutral and polar, at codon 316 of the CLUAP1 protein (p.Ile316Thr). This variant is present in population databases (no rsID available, gnomAD 0.003%). This variant has not been reported in the literature in individuals affected with CLUAP1-related conditions. Algorithms developed to predict the effect of missense changes on protein structure and function are either unavailable or do not agree on the potential impact of this missense change (SIFT: "Deleterious"; PolyPhen-2: "Benign"; Align-GVGD: "Class C0"). In summary, the available evidence is currently insufficient to determine the role of this variant in disease. Therefore, it has been classified as a Variant of Uncertain Significance.

NM_015041.3(CLUAP1):c.947T>C (p.Ile316Thr)

Gene: CLUAP1 (clusterin associated protein 1; plus strand). Cytogenetic location: 16p13.3.
Variant type: single nucleotide variant.
Coding change: c.947T>C on transcript NM_015041.3 (MANE Select); coding-DNA position 947, T replaced by C.
Protein change: p.Ile316Thr; replaces isoleucine 316 with threonine.
Molecular consequence: missense variant.
Genome position (GRCh38, 1-based): chr16:3,530,586, T>C. VCF-style: chr16-3530586-T-C. GRCh37 (hg19) VCF-style: chr16-3580586-T-C.
Other names: c.947T>C, p.Ile316Thr (NM_001330454.2); c.449T>C, p.Ile150Thr (NM_024793.3); short protein forms I150T, I316T.
Identifiers: ClinVar variation 2125059 (VCV002125059.4), dbSNP rs1381549297, ClinGen allele CA394515424.